The following is an entry in ClinVar:

NM_024642.5(GALNT12):c.830G>A (p.Gly277Asp)

Gene: GALNT12 (polypeptide N-acetylgalactosaminyltransferase 12; plus strand). Cytogenetic location: 9q22.33.
Variant type: single nucleotide variant.
Coding change: c.830G>A on transcript NM_024642.5 (MANE Select); coding-DNA position 830, G replaced by A.
Protein change: p.Gly277Asp; replaces glycine 277 with aspartic acid.
Molecular consequence: missense variant.
Genome position (GRCh38, 1-based): chr9:98,831,870, G>A. VCF-style: chr9-98831870-G-A. GRCh37 (hg19) VCF-style: chr9-101594152-G-A.
Other names: short protein forms G277D.
Identifiers: ClinVar variation 1762875 (VCV001762875.2), dbSNP rs2490517799, ClinGen allele CA374218098.

ClinVar aggregate classification (germline): Uncertain significance (1 of 4 stars; one submission).

Submission:

Ambry Genetics
Classification: Uncertain significance. Last evaluated: 2020-09-30. Review status: criteria provided, single submitter. Criteria: Ambry Variant Classification Scheme 2023. Collection method: clinical testing. Allele origin: germline.
Comment: The p.G277D variant (also known as c.830G>A), located in coding exon 4 of the GALNT12 gene, results from a G to A substitution at nucleotide position 830. The glycine at codon 277 is replaced by aspartic acid, an amino acid with similar properties. This amino acid position is highly conserved in available vertebrate species. In addition, this alteration is predicted to be deleterious by in silico analysis. Since supporting evidence is limited at this time, the clinical significance of this alteration remains unclear.